The following is an entry in ClinVar:

ClinVar aggregate classification (germline): Benign (1 of 4 stars; one submission).

Allele frequency attached by ClinVar (database versions not stated): gnomAD 0.31398; TOPMed 0.32368; 1000 Genomes Project 30x 0.34338; 1000 Genomes Project 0.34724.
gnomAD v4.1: 488,680 of 1,517,366 alleles (32%); highest among the groups gnomAD compares: East Asian, 53%; 80,500 homozygotes.

Submission:

Unidad de Genómica Garrahan, Hospital de Pediatría Garrahan
Classification: Benign. Last evaluated: 2024-01-24. Review status: criteria provided, single submitter. Criteria: ACMG Guidelines, 2015. Collection method: clinical testing. Allele origin: germline. Affected: no. Observed: 56 variant alleles.
Comment: This variant is classified as Benign based on local population frequency. This variant was detected in 59% of patients studied by a panel of primary immunodeficiencies. Number of patients: 56. Only high quality variants are reported.

NM_017491.5(WDR1):c.1196+76A>C

Gene: WDR1 (WD repeat domain 1; minus strand). Cytogenetic location: 4p16.1.
Variant type: single nucleotide variant.
Coding change: c.1196+76A>C on transcript NM_017491.5 (MANE Select); 76 bases into the intron after coding-DNA position 1196, A replaced by C.
Molecular consequence: intron variant.
Genome position (GRCh38, 1-based): chr4:10,082,946, T>G on the plus strand (A>C on the coding strand, the complement: WDR1 is on the minus strand). VCF-style: chr4-10082946-T-G. GRCh37 (hg19) VCF-style: chr4-10084570-T-G.
Other names: c.776+76A>C (NM_005112.5).
Identifiers: ClinVar variation 2688077 (VCV002688077.2), dbSNP rs2241470, ClinGen allele CA11679502.